The following is an entry in ClinVar:

NM_000361.3(THBD):c.1652A>T (p.Glu551Val)

Gene: THBD (thrombomodulin; minus strand). Cytogenetic location: 20p11.21.
Variant type: single nucleotide variant.
Coding change: c.1652A>T on transcript NM_000361.3 (MANE Select); coding-DNA position 1652, A replaced by T.
Protein change: p.Glu551Val; replaces glutamic acid 551 with valine.
Molecular consequence: missense variant.
Genome position (GRCh38, 1-based): chr20:23,047,853, T>A on the plus strand (A>T on the coding strand, the complement: THBD is on the minus strand). VCF-style: chr20-23047853-T-A. GRCh37 (hg19) VCF-style: chr20-23028490-T-A.
Other names: short protein forms E551V.
Identifiers: ClinVar variation 4760938 (VCV004760938.1).

ClinVar aggregate classification (germline): Uncertain significance (1 of 4 stars; one submission).

Submission:

Labcorp Genetics (formerly Invitae), Labcorp
Classification: Uncertain significance. Last evaluated: 2025-10-09. Review status: criteria provided, single submitter. Criteria: Invitae Variant Classification Sherloc (09022015). Collection method: clinical testing. Allele origin: germline.
Comment: This sequence change replaces glutamic acid, which is acidic and polar, with valine, which is neutral and non-polar, at codon 551 of the THBD protein (p.Glu551Val). This variant is not present in population databases (gnomAD no frequency). This variant has not been reported in the literature in individuals affected with THBD-related conditions. Invitae Evidence Modeling of protein sequence and biophysical properties (such as structural, functional, and spatial information, amino acid conservation, physicochemical variation, residue mobility, and thermodynamic stability) indicates that this missense variant is expected to disrupt THBD protein function with a positive predictive value of 80%. In summary, the available evidence is currently insufficient to determine the role of this variant in disease. Therefore, it has been classified as a Variant of Uncertain Significance.